The following is an entry in ClinVar:

NC_000006.11:g.(?_74207439)_(74210458_?)del

Gene: MTO1 (mitochondrial tRNA translation optimization 1; plus strand). Cytogenetic location: 6q13.
Variant type: Deletion.
Identifiers: ClinVar variation 1443970 (VCV001443970.5).

ClinVar aggregate classification (germline): Uncertain significance (1 of 4 stars; one submission).

Conditions:
Mitochondrial hypertrophic cardiomyopathy with lactic acidosis due to MTO1 deficiency. Also called: Combined oxidative phosphorylation deficiency 10; CARDIOMYOPATHY, INFANTILE HYPERTROPHIC MITOCHONDRIAL, AND LACTIC ACIDOSIS. Identifiers: Orphanet 314637, MedGen C4749921, MONDO:0013865, OMIM 614702.

Submission:

Labcorp Genetics (formerly Invitae), Labcorp
Classification: Uncertain significance for Mitochondrial hypertrophic cardiomyopathy with lactic acidosis due to MTO1 deficiency. Last evaluated: 2023-03-11. Review status: criteria provided, single submitter. Criteria: Invitae Variant Classification Sherloc (09022015). Collection method: clinical testing. Allele origin: germline.
Comment: This variant has not been reported in the literature in individuals affected with MTO1-related conditions. In summary, the available evidence is currently insufficient to determine the role of this variant in disease. Therefore, it has been classified as a Variant of Uncertain Significance. Experimental studies and prediction algorithms are not available or were not evaluated, and the functional significance of this variant is currently unknown. This variant is a gross deletion of the genomic region encompassing exon(s) 11-12 of the MTO1 gene, which includes the termination codon. This deletion extends beyond the assayed region for this gene and therefore may encompass additional genes. While this deletion is not anticipated to lead to nonsense mediated decay, it is expected to alter mRNA translation or result in a truncated protein product.